The following is an entry in ClinVar:

ClinVar aggregate classification (germline): Pathogenic (1 of 4 stars; one submission).

Submission:

Illumina Laboratory Services, Illumina
Classification: Pathogenic. Last evaluated: 2019-01-09. Review status: criteria provided, single submitter. Criteria: ICSL CNVClassificationCriteria Jul2020Prior. Collection method: clinical testing. Allele origin: unknown.
Comment: This CNV is a 4 Mb deletion of 5p15.33, on chromosome 5, (seq[GRCh37]del(5)(p15.33); chr5:g.13200_4012072del), found in a de novo state. The CNV constitutes a loss encompassing 60 genes and overlaps the well-described 5p deletion syndrome, also known as cri du chat syndrome (CdCS). CdCS has an estimated population prevalence of 1:15,000 to 1:50,000 and has been reported in more than 200 probands. Unbalanced translocations have been reported in affected individuals who inherited the derivative chromosome from a parent with a balanced translocation. Deletions ranging in size from 560 kb to 40 Mb have been observed in individuals with CdCS, and phenotypic variability has been noted in relation to the location and size of the deletion. Terminal deletions are frequently observed in affected individuals (Mainardi et al. 2001; Mainardi 2006; Nguyen et al. 2016). Common features of the syndrome include high-pitched monochromatic cry, microcephaly, broad nasal bridge, epicanthal folds, micrognathia, abnormal dermatoglyphics, and severe psychomotor and mental retardation. Additional variable features include cardiac, neurological and renal abnormalities, preauricular tags, syndactyly, hypospadias, and cryptorchidism. Based on the collective evidence, this CNV is classified as pathogenic.

Literature cited by the submitters: PubMed 11238681; PubMed 16953888; PubMed 25385231; PubMed 26235846; PubMed 8079991; PubMed 8250043.

GRCh37/hg19 5p15.33(chr5:13200-4012072)x1

Genes: AHRR (aryl hydrocarbon receptor repressor; plus strand), BRD9 (bromodomain containing 9; minus strand), CCDC127 (coiled-coil domain containing 127; minus strand), CEP72 (centrosomal protein 72), SLC9A3 (solute carrier family 9 member A3) and 24 more. Cytogenetic location: 5p15.33.
Variant type: copy number loss.
Change: copy number 1 (one copy instead of two) of chr5:13,200-4,012,072 (4.00 Mb, GRCh37 coordinates, 1-based), cytogenetic band 5p15.33.
Identifiers: ClinVar variation 1180547 (VCV001180547.4).